The following is an entry in ClinVar:

NM_016239.4(MYO15A):c.5886C>G (p.Tyr1962Ter)

Gene: MYO15A (myosin XVA; plus strand). Cytogenetic location: 17p11.2.
Variant type: single nucleotide variant.
Coding change: c.5886C>G on transcript NM_016239.4 (MANE Select); coding-DNA position 5886, C replaced by G.
Protein change: p.Tyr1962Ter; replaces tyrosine 1962 with a stop codon.
Molecular consequence: nonsense.
Genome position (GRCh38, 1-based): chr17:18,142,816, C>G. VCF-style: chr17-18142816-C-G. GRCh37 (hg19) VCF-style: chr17-18046130-C-G.
Other names: short protein forms Y1962*.
Identifiers: ClinVar variation 4850671 (VCV004850671.1).

ClinVar aggregate classification (germline): Likely pathogenic (1 of 4 stars; one submission).

Conditions:
Autosomal recessive nonsyndromic hearing loss 3. Also called: NEUROSENSORY NONSYNDROMIC RECESSIVE DEAFNESS 3. Identifiers: Orphanet 90636, MedGen C1838263, MONDO:0010860, OMIM 600316.

gnomAD v4.1: 1 of 1,613,046 alleles (0.000062%); highest among the groups gnomAD compares: Non-Finnish European, 0.000085%; no homozygotes.

Submission:

First Genomix Gene Laboratory, Genetic Diagnostics Department
Classification: Likely pathogenic for Autosomal recessive nonsyndromic hearing loss 3. Last evaluated: 2025-07-31. Review status: criteria provided, single submitter. Criteria: ACMG Guidelines, 2015. Collection method: clinical testing. Allele origin: germline. Inheritance: Autosomal recessive inheritance. Affected: no. Observed: 1 variant allele.